The following is an entry in ClinVar:

ClinVar aggregate classification (germline): Likely benign (1 of 4 stars; one submission).

Conditions:
Leigh syndrome (NULS). Also called: Leigh's necrotizing encephalopathy; Leigh's disease; Leigh Syndrome (mtDNA deletion); Leigh Disease; Subacute necrotizing encephalopathy; Necrotizing encephalopathy infantile subacute of Leigh. Identifiers: Orphanet 506, MedGen C2931891, MONDO:0009723, OMIM 256000.

Submission:

Wong Mito Lab, Molecular and Human Genetics, Baylor College of Medicine
Classification: Likely benign for Leigh syndrome. Last evaluated: 2019-10-17. Review status: criteria provided, single submitter. Criteria: Modified ACMG Guidelines (Unpublished). Collection method: clinical testing. Allele origin: germline.
Comment: The NC_012920.1:m.9286T>C (YP_003024032.1:p.Met27Thr) variant in MTCO3 gene is interpretated to be a Likely Benign variant based on the modified ACMG guidelines (unpublished). This variant meets the following evidence codes: BS1, BP4

NC_012920.1(MT-CO3):m.9286T>C

Gene: MT-CO3 (mitochondrially encoded cytochrome c oxidase III; plus strand).
Variant type: single nucleotide variant.
Genome position: chrM-9286-T-C.
Identifiers: ClinVar variation 693138 (VCV000693138.1), dbSNP rs1603222214, ClinGen allele CA414802603.
Genomic context (GRCh38, chrMT:9,286, plus strand): 5'-CCTATCATATAGTAAAACCCAGCCCATGACCCCTAACAGGGGCCCTCTCAGCCCTCCTAA[T>C]GACCTCCGGCCTAGCCATGTGATTTCACTTCCACTCCATAACGCTCCTCATACTAGGCCT-3'